The following is an entry in ClinVar:

NM_000900.5(MGP):c.-63G>A

Gene: MGP (matrix Gla protein; minus strand). Cytogenetic location: 12p12.3.
Variant type: single nucleotide variant.
Coding change: c.-63G>A on transcript NM_000900.5 (MANE Select); 63 bases upstream of the start codon, G replaced by A.
Molecular consequence: 5 prime UTR variant.
Genome position (GRCh38, 1-based): chr12:14,885,854, C>T on the plus strand (G>A on the coding strand, the complement: MGP is on the minus strand). VCF-style: chr12-14885854-C-T. GRCh37 (hg19) VCF-style: chr12-15038788-C-T.
Other names: c.-63G>A (NM_001190839.3).
Identifiers: ClinVar variation 307776 (VCV000307776.15), dbSNP rs1800801, ClinGen allele CA10636915.

ClinVar aggregate classification (germline): Benign. Review status: criteria provided, multiple submitters, no conflicts (2 of 4 stars). 4 submissions from 4 submitters: Benign (4). Last evaluated 2025-10-27.

Conditions:
Keutel syndrome (KTLS). Identifiers: Orphanet 85202, MedGen C1855607, MONDO:0009495, OMIM 245150.

Allele frequency attached by ClinVar (database versions not stated): 1000 Genomes Project 0.26218; 1000 Genomes Project 30x 0.26577; gnomAD 0.32158 and 0.32542; TOPMed 0.32719; ESP Exome Variant Server 0.34100; gnomAD exomes 0.34994.
gnomAD v4.1: 495,974 of 1,431,672 alleles (35%); highest among the groups gnomAD compares: Middle Eastern, 38%; 89,490 homozygotes.

Submissions (4):

Labcorp Genetics (formerly Invitae), Labcorp
Classification: Benign. Last evaluated: 2025-10-27. Review status: criteria provided, single submitter. Criteria: Invitae Variant Classification Sherloc (09022015). Collection method: clinical testing. Allele origin: germline.

GeneDx
Classification: Benign. Last evaluated: 2018-11-08. Review status: criteria provided, single submitter. Criteria: GeneDx Variant Classification Process June 2021. Collection method: clinical testing. Allele origin: germline. Affected: yes.
Comment: This variant is associated with the following publications: (PMID: 24281054, 11073842)

Illumina Laboratory Services, Illumina
Classification: Benign for Keutel syndrome. Last evaluated: 2018-03-06. Review status: criteria provided, single submitter. Criteria: ICSL Variant Classification Criteria 13 December 2019. Collection method: clinical testing. Allele origin: germline.
Comment: This variant was observed in the ICSL laboratory as part of a predisposition screen in an ostensibly healthy population. It had not been previously curated by ICSL or reported in the Human Gene Mutation Database (HGMD: prior to June 1st, 2018), and was therefore a candidate for classification through an automated scoring system. Utilizing variant allele frequency, disease prevalence and penetrance estimates, and inheritance mode, an automated score was calculated to assess if this variant is too frequent to cause the disease. Based on the score and internal cut-off values, a variant classified as benign is not then subjected to further curation. The score for this variant resulted in a classification of benign for this disease.

Breakthrough Genomics
Classification: Benign. Review status: criteria provided, single submitter. Criteria: ACMG Guidelines, 2015. Collection method: not provided. Allele origin: germline. Inheritance: Autosomal recessive inheritance. Affected: yes.